The following is an entry in ClinVar:

ClinVar aggregate classification (germline): Uncertain significance (1 of 4 stars; one submission).

Conditions:
Cortical dysplasia-focal epilepsy syndrome (PTHSL1). Also called: Pitt-Hopkins-like syndrome 1. Identifiers: Orphanet 163681, Orphanet 221150, MedGen C2750246, MONDO:0012400, OMIM 610042.

gnomAD v4.1: 2 of 1,614,106 alleles (0.00012%); highest among the groups gnomAD compares: Non-Finnish European, 0.00017%; no homozygotes.

Submission:

Labcorp Genetics (formerly Invitae), Labcorp
Classification: Uncertain significance for Cortical dysplasia-focal epilepsy syndrome. Last evaluated: 2022-08-22. Review status: criteria provided, single submitter. Criteria: Invitae Variant Classification Sherloc (09022015). Collection method: clinical testing. Allele origin: germline.
Comment: This sequence change replaces phenylalanine, which is neutral and non-polar, with leucine, which is neutral and non-polar, at codon 1019 of the CNTNAP2 protein (p.Phe1019Leu). This variant is not present in population databases (gnomAD no frequency). This variant has not been reported in the literature in individuals affected with CNTNAP2-related conditions. ClinVar contains an entry for this variant (Variation ID: 943701). Algorithms developed to predict the effect of missense changes on protein structure and function are either unavailable or do not agree on the potential impact of this missense change (SIFT: "Deleterious"; PolyPhen-2: "Benign"; Align-GVGD: "Class C15"). In summary, the available evidence is currently insufficient to determine the role of this variant in disease. Therefore, it has been classified as a Variant of Uncertain Significance.

NM_014141.6(CNTNAP2):c.3057T>G (p.Phe1019Leu)

Gene: CNTNAP2 (contactin associated protein 2; plus strand). Cytogenetic location: 7q36.1.
Variant type: single nucleotide variant.
Coding change: c.3057T>G on transcript NM_014141.6 (MANE Select); coding-DNA position 3057, T replaced by G.
Protein change: p.Phe1019Leu; replaces phenylalanine 1019 with leucine.
Molecular consequence: missense variant.
Genome position (GRCh38, 1-based): chr7:148,217,334, T>G. VCF-style: chr7-148217334-T-G. GRCh37 (hg19) VCF-style: chr7-147914426-T-G.
Other names: short protein forms F1019L.
Identifiers: ClinVar variation 943701 (VCV000943701.7), dbSNP rs761529459, ClinGen allele CA369929147.